The following is an entry in ClinVar:

NM_006206.6(PDGFRA):c.1187C>A (p.Ala396Asp)

Gene: PDGFRA (platelet derived growth factor receptor alpha; plus strand). Cytogenetic location: 4q12.
Variant type: single nucleotide variant.
Coding change: c.1187C>A on transcript NM_006206.6 (MANE Select); coding-DNA position 1187, C replaced by A.
Protein change: p.Ala396Asp; replaces alanine 396 with aspartic acid.
Molecular consequence: missense variant.
Genome position (GRCh38, 1-based): chr4:54,270,698, C>A. VCF-style: chr4-54270698-C-A. GRCh37 (hg19) VCF-style: chr4-55136865-C-A.
Other names: c.1187C>A, p.Ala396Asp (NM_001347827.2, NM_001347829.2); c.1262C>A, p.Ala421Asp (NM_001347828.2); c.1226C>A, p.Ala409Asp (NM_001347830.2); short protein forms A396D, A409D, A421D.
Identifiers: ClinVar variation 3887363 (VCV003887363.1).

ClinVar aggregate classification (germline): Uncertain significance (1 of 4 stars; one submission).

Conditions:
Hereditary cancer-predisposing syndrome. Also called: Tumor predisposition; Neoplastic Syndromes, Hereditary; Hereditary Cancer Syndrome; Hereditary neoplastic syndrome. Identifiers: Orphanet 140162, MedGen C0027672, MeSH D009386, MONDO:0015356.

Submission:

Ambry Genetics
Classification: Uncertain significance for Hereditary cancer-predisposing syndrome. Last evaluated: 2025-02-05. Review status: criteria provided, single submitter. Criteria: Ambry Variant Classification Scheme 2023. Collection method: clinical testing. Allele origin: germline.
Comment: The p.A396D variant (also known as c.1187C>A), located in coding exon 7 of the PDGFRA gene, results from a C to A substitution at nucleotide position 1187. The alanine at codon 396 is replaced by aspartic acid, an amino acid with dissimilar properties. This amino acid position is conserved. In addition, the in silico prediction for this alteration is inconclusive. Based on the available evidence, the clinical significance of this variant remains unclear.